The following is an entry in ClinVar:

NM_001083961.2(WDR62):c.1627T>G (p.Ser543Ala)

Gene: WDR62 (WD repeat domain 62; plus strand). Cytogenetic location: 19q13.12.
Variant type: single nucleotide variant.
Coding change: c.1627T>G on transcript NM_001083961.2 (MANE Select); coding-DNA position 1627, T replaced by G.
Protein change: p.Ser543Ala; replaces serine 543 with alanine.
Molecular consequence: missense variant.
Genome position (GRCh38, 1-based): chr19:36,084,729, T>G. VCF-style: chr19-36084729-T-G. GRCh37 (hg19) VCF-style: chr19-36575631-T-G.
Other names: c.1627T>G, p.Ser543Ala (NM_173636.5); short protein forms S543A.
Identifiers: ClinVar variation 1309122 (VCV001309122.4), dbSNP rs141895633, ClinGen allele CA9395660.

ClinVar aggregate classification (germline): Uncertain significance. Review status: criteria provided, multiple submitters, no conflicts (2 of 4 stars). 2 submissions from 2 submitters: Uncertain significance (2). Last evaluated 2023-03-21.

Conditions:
Inborn genetic diseases. Identifiers: MedGen C0950123, MeSH D030342.

Allele frequency attached by ClinVar (database versions not stated): gnomAD exomes 0.00001; ExAC 0.00002; ESP Exome Variant Server 0.00008.

Submissions (2):

Ambry Genetics
Classification: Uncertain significance for Inborn genetic diseases. Last evaluated: 2023-03-21. Review status: criteria provided, single submitter. Criteria: Ambry Variant Classification Scheme 2023. Collection method: clinical testing. Allele origin: germline.

GeneDx
Classification: Uncertain significance. Last evaluated: 2019-10-15. Review status: criteria provided, single submitter. Criteria: GeneDx Variant Classification Process June 2021. Collection method: clinical testing. Allele origin: germline. Affected: yes.
Comment: Not observed at a significant frequency in large population cohorts (Lek et al., 2016); In silico analysis, which includes protein predictors and evolutionary conservation, supports that this variant does not alter protein structure/function; Has not been previously published as pathogenic or benign to our knowledge